The following is an entry in ClinVar:

NM_001288705.3(CSF1R):c.785C>A (p.Thr262Asn)

Gene: CSF1R (colony stimulating factor 1 receptor; minus strand). Cytogenetic location: 5q32.
Variant type: single nucleotide variant.
Coding change: c.785C>A on transcript NM_001288705.3 (MANE Select); coding-DNA position 785, C replaced by A.
Protein change: p.Thr262Asn; replaces threonine 262 with asparagine.
Molecular consequence: missense variant. On other transcripts: non-coding transcript variant (2).
Genome position (GRCh38, 1-based): chr5:150,077,380, G>T on the plus strand (C>A on the coding strand, the complement: CSF1R is on the minus strand). VCF-style: chr5-150077380-G-T. GRCh37 (hg19) VCF-style: chr5-149456943-G-T.
Other names: c.785C>A, p.Thr262Asn (NM_001349736.2, NM_001375320.1, NM_005211.4); c.341C>A, p.Thr114Asn (NM_001375321.1); short protein forms T114N, T262N.
Identifiers: ClinVar variation 1964069 (VCV001964069.5), dbSNP rs1273955828, ClinGen allele CA361729382.

ClinVar aggregate classification (germline): Uncertain significance (1 of 4 stars; one submission).

Allele frequency attached by ClinVar (database versions not stated): gnomAD exomes below 0.00001.
gnomAD v4.1: 4 of 1,614,190 alleles (0.00025%); highest among the groups gnomAD compares: Admixed American, 0.0033%; no homozygotes.

Submission:

Labcorp Genetics (formerly Invitae), Labcorp
Classification: Uncertain significance. Last evaluated: 2024-01-03. Review status: criteria provided, single submitter. Criteria: Invitae Variant Classification Sherloc (09022015). Collection method: clinical testing. Allele origin: germline.
Comment: This sequence change replaces threonine, which is neutral and polar, with asparagine, which is neutral and polar, at codon 262 of the CSF1R protein (p.Thr262Asn). This variant is present in population databases (no rsID available, gnomAD 0.006%). This variant has not been reported in the literature in individuals affected with CSF1R-related conditions. ClinVar contains an entry for this variant (Variation ID: 1964069). Advanced modeling of protein sequence and biophysical properties (such as structural, functional, and spatial information, amino acid conservation, physicochemical variation, residue mobility, and thermodynamic stability) performed at Invitae indicates that this missense variant is not expected to disrupt CSF1R protein function with a negative predictive value of 95%. In summary, the available evidence is currently insufficient to determine the role of this variant in disease. Therefore, it has been classified as a Variant of Uncertain Significance.